The following is an entry in ClinVar:

ClinVar aggregate classification (germline): Uncertain significance. Review status: criteria provided, multiple submitters, no conflicts (2 of 4 stars). 2 submissions from 2 submitters: Uncertain significance (2). Last evaluated 2026-07-07.

Conditions:
Carney complex, type 1 (CNC1). Also called: CARNEY MYXOMA-ENDOCRINE COMPLEX; CARNEY COMPLEX, TYPE I. Identifiers: Orphanet 1359, MedGen C2607929, MONDO:0008057, OMIM 160980.
Hereditary cancer-predisposing syndrome. Also called: Neoplastic Syndromes, Hereditary; Hereditary neoplastic syndrome; Hereditary Cancer Syndrome; Tumor predisposition. Identifiers: Orphanet 140162, MedGen C0027672, MeSH D009386, MONDO:0015356.

Allele frequency attached by ClinVar (database versions not stated): ExAC 0.00001.

Submissions (2):

Ambry Genetics
Classification: Uncertain significance for Hereditary cancer-predisposing syndrome. Last evaluated: 2026-07-07. Review status: criteria provided, single submitter. Criteria: Ambry Variant Classification Scheme 2023. Collection method: clinical testing. Allele origin: germline.
Comment: The p.S157F variant (also known as c.470C>T), located in coding exon 4 of the PRKAR1A gene, results from a C to T substitution at nucleotide position 470. The serine at codon 157 is replaced by phenylalanine, an amino acid with highly dissimilar properties. This amino acid position is conserved. In addition, the in silico prediction for this alteration is inconclusive. Based on the available evidence, the clinical significance of this variant remains unclear.

Labcorp Genetics (formerly Invitae), Labcorp
Classification: Uncertain significance for Carney complex, type 1. Last evaluated: 2025-04-13. Review status: criteria provided, single submitter. Criteria: Invitae Variant Classification Sherloc (09022015). Collection method: clinical testing. Allele origin: germline.
Comment: This sequence change replaces serine, which is neutral and polar, with phenylalanine, which is neutral and non-polar, at codon 157 of the PRKAR1A protein (p.Ser157Phe). This variant is present in population databases (rs776071358, gnomAD 0.006%). This variant has not been reported in the literature in individuals affected with PRKAR1A-related conditions. ClinVar contains an entry for this variant (Variation ID: 469064). Invitae Evidence Modeling of protein sequence and biophysical properties (such as structural, functional, and spatial information, amino acid conservation, physicochemical variation, residue mobility, and thermodynamic stability) indicates that this missense variant is not expected to disrupt PRKAR1A protein function with a negative predictive value of 95%. In summary, the available evidence is currently insufficient to determine the role of this variant in disease. Therefore, it has been classified as a Variant of Uncertain Significance.

NM_002734.5(PRKAR1A):c.470C>T (p.Ser157Phe)

Gene: PRKAR1A (protein kinase cAMP-dependent type I regulatory subunit alpha; plus strand). Cytogenetic location: 17q24.2.
Variant type: single nucleotide variant.
Coding change: c.470C>T on transcript NM_002734.5 (MANE Select); coding-DNA position 470, C replaced by T.
Protein change: p.Ser157Phe; replaces serine 157 with phenylalanine.
Molecular consequence: missense variant.
Genome position (GRCh38, 1-based): chr17:68,524,045, C>T. VCF-style: chr17-68524045-C-T. GRCh37 (hg19) VCF-style: chr17-66520186-C-T.
Other names: c.470C>T, p.Ser157Phe (NM_001276289.2, NM_001276290.1, NM_001278433.2 and 4 more transcripts); c.470C>T (NM_002734.3); short protein forms S157F.
Identifiers: ClinVar variation 469064 (VCV000469064.11), dbSNP rs776071358, ClinGen allele CA8729265.